The following is an entry in ClinVar:

ClinVar aggregate classification (germline): Uncertain significance (1 of 4 stars; one submission).

Allele frequency attached by ClinVar (database versions not stated): ExAC 0.00001; gnomAD 0.00001.
gnomAD v4.1: 4 of 1,614,060 alleles (0.00025%); highest among the groups gnomAD compares: East Asian, 0.0022%; no homozygotes.

Submission:

Labcorp Genetics (formerly Invitae), Labcorp
Classification: Uncertain significance. Last evaluated: 2022-06-19. Review status: criteria provided, single submitter. Criteria: Invitae Variant Classification Sherloc (09022015). Collection method: clinical testing. Allele origin: germline.
Comment: Algorithms developed to predict the effect of missense changes on protein structure and function are either unavailable or do not agree on the potential impact of this missense change (SIFT: "Deleterious"; PolyPhen-2: "Benign"; Align-GVGD: "Class C0"). This variant has not been reported in the literature in individuals affected with EFL1-related conditions. This variant is present in population databases (rs752633297, gnomAD 0.006%). This sequence change replaces threonine, which is neutral and polar, with alanine, which is neutral and non-polar, at codon 741 of the EFL1 protein (p.Thr741Ala). In summary, the available evidence is currently insufficient to determine the role of this variant in disease. Therefore, it has been classified as a Variant of Uncertain Significance.

NM_024580.6(EFL1):c.2221A>G (p.Thr741Ala)

Gene: EFL1 (elongation factor like GTPase 1; minus strand). Cytogenetic location: 15q25.2.
Variant type: single nucleotide variant.
Coding change: c.2221A>G on transcript NM_024580.6 (MANE Select); coding-DNA position 2221, A replaced by G.
Protein change: p.Thr741Ala; replaces threonine 741 with alanine.
Molecular consequence: missense variant. On other transcripts: non-coding transcript variant (1).
Genome position (GRCh38, 1-based): chr15:82,152,233, T>C on the plus strand (A>G on the coding strand, the complement: EFL1 is on the minus strand). VCF-style: chr15-82152233-T-C. GRCh37 (hg19) VCF-style: chr15-82444574-T-C.
Other names: c.2068A>G, p.Thr690Ala (NM_001040610.3); c.1432A>G, p.Thr478Ala (NM_001322844.2); c.2221A>G, p.Thr741Ala (NM_001322845.2); short protein forms T478A, T690A, T741A.
Identifiers: ClinVar variation 2181172 (VCV002181172.4), dbSNP rs752633297, ClinGen allele CA7697785.
Genomic context (GRCh38, chr15:82,152,233, plus strand): 5'-CTTCTGGAAGGGGCATGGCTCGAACACTGAGCGTGGCAAGTTTATTGGGAGTTGTTATGG[T>C]GATTAGCCCGTCAGAGTCAACTTGGATTCCTTCAGGGATTTTGCTTTGATCTTCTTTCAT-3'
Protein context (NP_078856.4, residues 731-751): GIQVDSDGLI[Thr741Ala]ITTPNKLATL